The following is an entry in ClinVar:

ClinVar aggregate classification (germline): Uncertain significance (1 of 4 stars; one submission).

Submission:

GeneDx
Classification: Uncertain significance. Last evaluated: 2026-01-14. Review status: criteria provided, single submitter. Criteria: GeneDx Variant Classification Process June 2021. Collection method: clinical testing. Allele origin: germline.
Comment: Not observed at significant frequency in large population cohorts (gnomAD); In silico analysis supports that this missense variant has a deleterious effect on protein structure/function; Has not been previously published as pathogenic or benign to our knowledge

NM_001458.5(FLNC):c.268C>A (p.Pro90Thr)

Gene: FLNC (filamin C; plus strand). Cytogenetic location: 7q32.1.
Variant type: single nucleotide variant.
Coding change: c.268C>A on transcript NM_001458.5 (MANE Select); coding-DNA position 268, C replaced by A.
Protein change: p.Pro90Thr; replaces proline 90 with threonine.
Molecular consequence: missense variant.
Genome position (GRCh38, 1-based): chr7:128,830,905, C>A. VCF-style: chr7-128830905-C-A. GRCh37 (hg19) VCF-style: chr7-128470959-C-A.
Other names: c.268C>A, p.Pro90Thr (NM_001127487.2); short protein forms P90T.
Identifiers: ClinVar variation 4975234 (VCV004975234.1).